The following is an entry in ClinVar:

NM_182931.3(KMT2E):c.2548G>A (p.Gly850Ser)

Gene: KMT2E (lysine methyltransferase 2E (inactive); plus strand). Cytogenetic location: 7q22.3.
Variant type: single nucleotide variant.
Coding change: c.2548G>A on transcript NM_182931.3 (MANE Select); coding-DNA position 2548, G replaced by A.
Protein change: p.Gly850Ser; replaces glycine 850 with serine.
Molecular consequence: missense variant.
Genome position (GRCh38, 1-based): chr7:105,105,955, G>A. VCF-style: chr7-105105955-G-A. GRCh37 (hg19) VCF-style: chr7-104746402-G-A.
Other names: c.2548G>A, p.Gly850Ser (NM_001410908.1, NM_018682.4); short protein forms G850S.
Identifiers: ClinVar variation 1994584 (VCV001994584.4), dbSNP rs1267254881, ClinGen allele CA368786774.

ClinVar aggregate classification (germline): Uncertain significance (1 of 4 stars; one submission).

Submission:

Labcorp Genetics (formerly Invitae), Labcorp
Classification: Uncertain significance. Last evaluated: 2024-10-16. Review status: criteria provided, single submitter. Criteria: Invitae Variant Classification Sherloc (09022015). Collection method: clinical testing. Allele origin: germline.
Comment: This sequence change replaces glycine, which is neutral and non-polar, with serine, which is neutral and polar, at codon 850 of the KMT2E protein (p.Gly850Ser). This variant is not present in population databases (gnomAD no frequency). This variant has not been reported in the literature in individuals affected with KMT2E-related conditions. ClinVar contains an entry for this variant (Variation ID: 1994584). Invitae Evidence Modeling of protein sequence and biophysical properties (such as structural, functional, and spatial information, amino acid conservation, physicochemical variation, residue mobility, and thermodynamic stability) indicates that this missense variant is not expected to disrupt KMT2E protein function with a negative predictive value of 80%. In summary, the available evidence is currently insufficient to determine the role of this variant in disease. Therefore, it has been classified as a Variant of Uncertain Significance.